The following is an entry in ClinVar:

ClinVar aggregate classification (germline): Uncertain significance (1 of 4 stars; one submission).

Submission:

Labcorp Genetics (formerly Invitae), Labcorp
Classification: Uncertain significance. Last evaluated: 2024-06-06. Review status: criteria provided, single submitter. Criteria: Invitae Variant Classification Sherloc (09022015). Collection method: clinical testing. Allele origin: germline.
Comment: This sequence change replaces methionine, which is neutral and non-polar, with threonine, which is neutral and polar, at codon 1292 of the VPS13C protein (p.Met1292Thr). This variant is not present in population databases (gnomAD no frequency). This variant has not been reported in the literature in individuals affected with VPS13C-related conditions. Advanced modeling of protein sequence and biophysical properties (such as structural, functional, and spatial information, amino acid conservation, physicochemical variation, residue mobility, and thermodynamic stability) performed at Invitae indicates that this missense variant is expected to disrupt VPS13C protein function with a positive predictive value of 80%. In summary, the available evidence is currently insufficient to determine the role of this variant in disease. Therefore, it has been classified as a Variant of Uncertain Significance.

NM_020821.3(VPS13C):c.3875T>C (p.Met1292Thr)

Gene: VPS13C (vacuolar protein sorting 13 homolog C; minus strand). Cytogenetic location: 15q22.2.
Variant type: single nucleotide variant.
Coding change: c.3875T>C on transcript NM_020821.3 (MANE Select); coding-DNA position 3875, T replaced by C.
Protein change: p.Met1292Thr; replaces methionine 1292 with threonine.
Molecular consequence: missense variant.
Genome position (GRCh38, 1-based): chr15:61,961,622, A>G on the plus strand (T>C on the coding strand, the complement: VPS13C is on the minus strand). VCF-style: chr15-61961622-A-G. GRCh37 (hg19) VCF-style: chr15-62253821-A-G.
Other names: c.3875T>C, p.Met1292Thr (NM_001018088.3); c.3746T>C, p.Met1249Thr (NM_017684.5, NM_018080.4); short protein forms M1249T, M1292T.
Identifiers: ClinVar variation 3655767 (VCV003655767.2).